The following is an entry in ClinVar:

ClinVar aggregate classification (germline): Uncertain significance (1 of 4 stars; one submission).

Conditions:
Osteogenesis imperfecta type 8 (OI8). Identifiers: MedGen C1970458, MONDO:0012581, OMIM 610915.

Submission:

Labcorp Genetics (formerly Invitae), Labcorp
Classification: Uncertain significance for Osteogenesis imperfecta type 8. Last evaluated: 2022-02-21. Review status: criteria provided, single submitter. Criteria: Invitae Variant Classification Sherloc (09022015). Collection method: clinical testing. Allele origin: germline.
Comment: This sequence change falls in intron 4 of the P3H1 gene. It does not directly change the encoded amino acid sequence of the P3H1 protein. It affects a nucleotide within the consensus splice site. This variant is not present in population databases (gnomAD no frequency). This variant has not been reported in the literature in individuals affected with P3H1-related conditions. Variants that disrupt the consensus splice site are a relatively common cause of aberrant splicing (PMID: 17576681, 9536098). Algorithms developed to predict the effect of sequence changes on RNA splicing suggest that this variant is not likely to affect RNA splicing. In summary, the available evidence is currently insufficient to determine the role of this variant in disease. Therefore, it has been classified as a Variant of Uncertain Significance.

Literature cited by the submitters: PubMed 17576681; PubMed 9536098.

NM_022356.4(P3H1):c.941-3C>T

Gene: P3H1 (prolyl 3-hydroxylase 1; minus strand). Cytogenetic location: 1p34.2.
Variant type: single nucleotide variant.
Coding change: c.941-3C>T on transcript NM_022356.4 (MANE Select); 3 bases into the intron before coding-DNA position 941, C replaced by T.
Molecular consequence: intron variant.
Genome position (GRCh38, 1-based): chr1:42,757,925, G>A on the plus strand (C>T on the coding strand, the complement: P3H1 is on the minus strand). VCF-style: chr1-42757925-G-A. GRCh37 (hg19) VCF-style: chr1-43223596-G-A.
Other names: c.941-3C>T (NM_001146289.2, NM_001243246.2).
Identifiers: ClinVar variation 1932843 (VCV001932843.4), dbSNP rs2524466207, ClinGen allele CA2574337820.